The following is an entry in ClinVar:

ClinVar aggregate classification (germline): Uncertain significance (1 of 4 stars; one submission).

Conditions:
RFT1-congenital disorder of glycosylation (CDG1N). Also called: Congenital disorder of glycosylation type In; RFT1-CDG; CDG In. Identifiers: Orphanet 244310, MedGen C2677590, MONDO:0012783, OMIM 612015.

Allele frequency attached by ClinVar (database versions not stated): ExAC 0.00001; gnomAD exomes 0.00001 and 0.00002.
gnomAD v4.1: 4 of 1,614,198 alleles (0.00025%); highest among the groups gnomAD compares: Admixed American, 0.0067%; no homozygotes.

Submission:

Labcorp Genetics (formerly Invitae), Labcorp
Classification: Uncertain significance for RFT1-congenital disorder of glycosylation. Last evaluated: 2022-08-21. Review status: criteria provided, single submitter. Criteria: Invitae Variant Classification Sherloc (09022015). Collection method: clinical testing. Allele origin: germline.
Comment: This sequence change replaces leucine, which is neutral and non-polar, with proline, which is neutral and non-polar, at codon 61 of the RFT1 protein (p.Leu61Pro). This variant is present in population databases (rs758269687, gnomAD 0.01%). This variant has not been reported in the literature in individuals affected with RFT1-related conditions. ClinVar contains an entry for this variant (Variation ID: 1409672). Algorithms developed to predict the effect of missense changes on protein structure and function (SIFT, PolyPhen-2, Align-GVGD) all suggest that this variant is likely to be disruptive. In summary, the available evidence is currently insufficient to determine the role of this variant in disease. Therefore, it has been classified as a Variant of Uncertain Significance.

NM_052859.4(RFT1):c.182T>C (p.Leu61Pro)

Gene: RFT1 (RFT1 glycolipid translocator homolog; minus strand). Cytogenetic location: 3p21.1.
Variant type: single nucleotide variant.
Coding change: c.182T>C on transcript NM_052859.4 (MANE Select); coding-DNA position 182, T replaced by C.
Protein change: p.Leu61Pro; replaces leucine 61 with proline.
Molecular consequence: missense variant.
Genome position (GRCh38, 1-based): chr3:53,123,808, A>G on the plus strand (T>C on the coding strand, the complement: RFT1 is on the minus strand). VCF-style: chr3-53123808-A-G. GRCh37 (hg19) VCF-style: chr3-53157824-A-G.
Other names: short protein forms L61P.
Identifiers: ClinVar variation 1409672 (VCV001409672.3), dbSNP rs758269687, ClinGen allele CA2451513.